The following is an entry in ClinVar:

ClinVar aggregate classification (germline): Uncertain significance (1 of 4 stars; one submission).

Conditions:
Cardiovascular phenotype. Identifiers: MedGen CN230736.

Submission:

Ambry Genetics
Classification: Uncertain significance for Cardiovascular phenotype. Last evaluated: 2019-05-30. Review status: criteria provided, single submitter. Criteria: Ambry Variant Classification Scheme 2023. Collection method: clinical testing. Allele origin: germline.
Comment: The p.T502S variant (also known as c.1505C>G), located in coding exon 5 of the KCND3 gene, results from a C to G substitution at nucleotide position 1505. The threonine at codon 502 is replaced by serine, an amino acid with similar properties. This amino acid position is highly conserved in available vertebrate species. In addition, the in silico prediction for this alteration is inconclusive. Since supporting evidence is limited at this time, the clinical significance of this alteration remains unclear.

NM_001378969.1(KCND3):c.1505C>G (p.Thr502Ser)

Gene: KCND3 (potassium voltage-gated channel subfamily D member 3; minus strand). Cytogenetic location: 1p13.2.
Variant type: single nucleotide variant.
Coding change: c.1505C>G on transcript NM_001378969.1 (MANE Select); coding-DNA position 1505, C replaced by G.
Protein change: p.Thr502Ser; replaces threonine 502 with serine.
Molecular consequence: missense variant. On other transcripts: intron variant (2).
Genome position (GRCh38, 1-based): chr1:111,778,449, G>C on the plus strand (C>G on the coding strand, the complement: KCND3 is on the minus strand). VCF-style: chr1-111778449-G-C. GRCh37 (hg19) VCF-style: chr1-112321071-G-C.
Other names: c.1505C>G, p.Thr502Ser (NM_004980.5); c.1462-1176C>G (NM_001378970.1, NM_172198.3); short protein forms T502S.
Identifiers: ClinVar variation 1774074 (VCV001774074.2), dbSNP rs1401336718, ClinGen allele CA341657636.